The following is an entry in ClinVar:

ClinVar aggregate classification (germline): Pathogenic (1 of 4 stars; one submission).

Conditions:
Alpha thalassemia-X-linked intellectual disability syndrome (ATRX). Also called: ATR-X syndrome; Alpha thalassemia mental retardation syndrome, nondeletion type, X-linked; XLMR hypotonic face syndrome; ALPHA-THALASSEMIA/IMPAIRED INTELLECTUAL DEVELOPMENT SYNDROME, X-LINKED; ALPHA-THALASSEMIA/MENTAL RETARDATION SYNDROME, X-LINKED; ATR, NONDELETION TYPE. Identifiers: Orphanet 847, MedGen C1845055, MONDO:0010519, OMIM 301040.

Submission:

Labcorp Genetics (formerly Invitae), Labcorp
Classification: Pathogenic for Alpha thalassemia-X-linked intellectual disability syndrome. Last evaluated: 2019-03-12. Review status: criteria provided, single submitter. Criteria: Invitae Variant Classification Sherloc (09022015). Collection method: clinical testing. Allele origin: germline.
Comment: For these reasons, this variant has been classified as Pathogenic. Loss-of-function variants in ATRX are known to be pathogenic (PMID: 18409179, 23681356). This variant has not been reported in the literature in individuals with ATRX-related conditions. This variant is not present in population databases (ExAC no frequency). This sequence change creates a premature translational stop signal (p.Lys1373*) in the ATRX gene. It is expected to result in an absent or disrupted protein product.

Literature cited by the submitters: PubMed 18409179; PubMed 23681356.

NM_000489.6(ATRX):c.4116_4119del (p.Arg1372_Lys1373insTer)

Gene: ATRX (ATRX chromatin remodeler; minus strand). Cytogenetic location: Xq21.1.
Variant type: Deletion.
Coding change: c.4116_4119del on transcript NM_000489.6 (MANE Select); coding-DNA positions 4116 to 4119, 4 bases deleted (AAAG; older notation c.4116_4119delAAAG).
Protein change: p.Arg1372_Lys1373insTer.
Molecular consequence: frameshift variant.
Genome position (GRCh38, 1-based): chrX:77,663,383-77,663,386, CTTT deleted on the plus strand (AAAG on the coding strand, the reverse complement: ATRX is on the minus strand); deleting any 4 consecutive bases within chrX:77,663,383-77,663,389 gives the same sequence; the c. name uses the placement nearest the transcript's 3' end. VCF-style (leftmost placement, unchanged base first): chrX-77663382-CCTTT-C. GRCh37 (hg19) VCF-style: chrX-76918871-CCTTT-C.
Other names: c.4002_4005del, p.Arg1334_Lys1335insTer (NM_138270.5).
Identifiers: ClinVar variation 847375 (VCV000847375.8), dbSNP rs2070034528, ClinGen allele CA645616287.